The following is an entry in ClinVar:

NM_000368.5(TSC1):c.598G>A (p.Val200Ile)

Gene: TSC1 (TSC complex subunit 1; minus strand). Cytogenetic location: 9q34.13.
Variant type: single nucleotide variant.
Coding change: c.598G>A on transcript NM_000368.5 (MANE Select); coding-DNA position 598, G replaced by A.
Protein change: p.Val200Ile; replaces valine 200 with isoleucine.
Molecular consequence: missense variant.
Genome position (GRCh38, 1-based): chr9:132,921,884, C>T on the plus strand (G>A on the coding strand, the complement: TSC1 is on the minus strand). VCF-style: chr9-132921884-C-T. GRCh37 (hg19) VCF-style: chr9-135797271-C-T.
Other names: c.598G>A, p.Val200Ile (NM_001162426.2); c.445G>A, p.Val149Ile (NM_001162427.2); c.235G>A, p.Val79Ile (NM_001362177.2); short protein forms V200I, V79I, V149I.
Identifiers: ClinVar variation 49067 (VCV000049067.25), dbSNP rs118203410, ClinGen allele CA007868.
Genomic context (GRCh38, chr9:132,921,884, plus strand): 5'-CCACTTCTTCAAAAGTCTCCAGGTTTTCTTTCATACTGTAATGAGAACGCAAAAAGGAGA[C>T]GAAGTTGCAAGGGTACATTCCATAAAGGCGATGAAAGAGTGCGTACACACTGGCATGGAG-3'
Protein context (NP_000359.1, residues 190-210): RLYGMYPCNF[Val200Ile]SFLRSHYSMK

ClinVar aggregate classification (germline): Conflicting classifications of pathogenicity. Review status: criteria provided, conflicting classifications (1 of 4 stars). 9 submissions from 8 submitters: Uncertain significance (4); Likely benign (4). 1 of the submissions does not count toward it. Last evaluated 2026-08-05.

Conditions:
TSC1-related disorder. Also called: TSC1-related condition.
Hereditary cancer-predisposing syndrome. Also called: Hereditary Cancer Syndrome; Neoplastic Syndromes, Hereditary; Hereditary neoplastic syndrome; Tumor predisposition. Identifiers: Orphanet 140162, MedGen C0027672, MeSH D009386, MONDO:0015356.
Tuberous sclerosis syndrome (TSC). Also called: Tuberous Sclerosis Complex; Tuberous sclerosis. Identifiers: Orphanet 805, MedGen C0041341, MONDO:0001734.
Isolated focal cortical dysplasia type II (FCORD2). Also called: Focal cortical dysplasia type II; CORTICAL DYSPLASIA OF TAYLOR. Identifiers: Orphanet 268994, MedGen C1846385, MONDO:0011818, OMIM 607341, HP:0032051.
Tuberous sclerosis 1 (TSC1). Identifiers: Orphanet 805, MedGen C1854465, MONDO:0008612, OMIM 191100.

Allele frequency attached by ClinVar (database versions not stated): gnomAD 0.00001; ExAC 0.00002; gnomAD exomes 0.00002.
gnomAD v4.1: 24 of 1,613,974 alleles (0.0015%); highest among the groups gnomAD compares: Admixed American, 0.0033%; no homozygotes.

Submissions (9):

PreventionGenetics, part of Exact Sciences
Classification: Uncertain significance for TSC1-related condition. Last evaluated: 2026-08-05. Review status: criteria provided, single submitter. Criteria: ACMG Guidelines, 2015. Collection method: clinical testing. Allele origin: germline.
Comment: The TSC1 c.598G>A variant is predicted to result in the amino acid substitution p.Val200Ile. To our knowledge, this variant has not been reported in the literature. This variant is reported in 0.0065% of alleles in individuals of South Asian descent in gnomAD and it has conflicting classifications listed in ClinVar ranging from likely benign to uncertain (Variation ID: 49067). Although we suspect that this variant may be benign, at this time, the clinical significance of this variant is uncertain due to the absence of conclusive functional and genetic evidence.

Labcorp Genetics (formerly Invitae), Labcorp
Classification: Likely benign for Tuberous sclerosis 1. Last evaluated: 2026-01-26. Review status: criteria provided, single submitter. Criteria: Invitae Variant Classification Sherloc (09022015). Collection method: clinical testing. Allele origin: germline.

Ambry Genetics
Classification: Likely benign for Hereditary cancer-predisposing syndrome. Last evaluated: 2022-12-13. Review status: criteria provided, single submitter. Criteria: Ambry Variant Classification Scheme 2023. Collection method: clinical testing. Allele origin: germline.

Genome-Nilou Lab
Classification: Likely benign for Tuberous sclerosis 1. Last evaluated: 2021-11-07. Review status: criteria provided, single submitter. Criteria: ACMG Guidelines, 2015. Collection method: clinical testing. Allele origin: germline. Affected: no.

Sema4
Classification: Uncertain significance for Hereditary cancer-predisposing syndrome. Last evaluated: 2021-09-09. Review status: criteria provided, single submitter. Criteria: Sema4 Curation Guidelines. Collection method: curation. Allele origin: germline.
Comment: The TSC1 c.598G>A (p.V200I) variant has not been reported in the literature to our knowledge. It was observed in 2/30616 chromosomes of the South Asian subpopulation in the large and broad cohorts of the Genome Aggregation Database (PMID: 32461654). The variant has been reported in ClinVar (Variation ID 49067). Functional studies have not been performed, and in silico predictions of the variant's effect on protein function are inconclusive. The evidence is insufficient to meet ACMG/AMP criteria for classifying the variant as benign or pathogenic. Thus, the clinical significance of this variant is currently uncertain.

GeneDx
Classification: Likely benign. Last evaluated: 2018-02-12. Review status: criteria provided, single submitter. Criteria: GeneDx Variant Classification (06012015). Collection method: clinical testing. Allele origin: germline. Affected: yes.
Comment: This variant is considered likely benign or benign based on one or more of the following criteria: it is a conservative change, it occurs at a poorly conserved position in the protein, it is predicted to be benign by multiple in silico algorithms, and/or has population frequency not consistent with disease.

Illumina Laboratory Services, Illumina
Classification: Uncertain significance for Tuberous sclerosis 1. Last evaluated: 2017-04-27. Review status: criteria provided, single submitter. Criteria: ICSL Variant Classification Criteria 13 December 2019. Collection method: clinical testing. Allele origin: germline.

Illumina Laboratory Services, Illumina
Classification: Uncertain significance for Isolated focal cortical dysplasia type II. Last evaluated: 2017-04-27. Review status: criteria provided, single submitter. Criteria: ICSL Variant Classification Criteria 13 December 2019. Collection method: clinical testing. Allele origin: germline.

Tuberous sclerosis database (TSC1)
No classification provided. Condition: TSC. Review status: no classification provided. Criteria: Tuberous Sclerosis Database Assertion Criteria 2015. Collection method: curation. Allele origin: germline. Affected: yes. Not counted in ClinVar's aggregate classification.